The following is an entry in ClinVar:

ClinVar aggregate classification (germline): Uncertain significance (1 of 4 stars; one submission).

Conditions:
Cardiovascular phenotype. Identifiers: MedGen CN230736.

Submission:

Ambry Genetics
Classification: Uncertain significance for Cardiovascular phenotype. Last evaluated: 2026-07-13. Review status: criteria provided, single submitter. Criteria: Ambry Variant Classification Scheme 2023. Collection method: clinical testing. Allele origin: germline.
Comment: The p.L308F variant (also known as c.922C>T), located in coding exon 9 of the APOB gene, results from a C to T substitution at nucleotide position 922. The leucine at codon 308 is replaced by phenylalanine, an amino acid with highly similar properties. This amino acid position is conserved. In addition, this alteration is predicted to be tolerated by in silico analysis. Based on the available evidence, the clinical significance of this variant remains unclear.

NM_000384.3(APOB):c.922C>T (p.Leu308Phe)

Gene: APOB (apolipoprotein B; minus strand). Cytogenetic location: 2p24.1.
Variant type: single nucleotide variant.
Coding change: c.922C>T on transcript NM_000384.3 (MANE Select); coding-DNA position 922, C replaced by T.
Protein change: p.Leu308Phe; replaces leucine 308 with phenylalanine.
Molecular consequence: missense variant.
Genome position (GRCh38, 1-based): chr2:21,033,501, G>A on the plus strand (C>T on the coding strand, the complement: APOB is on the minus strand). VCF-style: chr2-21033501-G-A. GRCh37 (hg19) VCF-style: chr2-21256373-G-A.
Other names: short protein forms L308F.
Identifiers: ClinVar variation 5027671 (VCV005027671.1).